The following is an entry in ClinVar:

ClinVar aggregate classification (germline): Uncertain significance. Review status: criteria provided, multiple submitters, no conflicts (2 of 4 stars). 2 submissions from 2 submitters: Uncertain significance (2). Last evaluated 2024-03-07.

Conditions:
Van Maldergem syndrome 2 (VMLDS2). Identifiers: Orphanet 314679, MedGen C3809875, MONDO:0014242, OMIM 615546.
Hennekam lymphangiectasia-lymphedema syndrome 2 (HKLLS2). Identifiers: Orphanet 2136, MedGen C4014939, MONDO:0014454, OMIM 616006.

Allele frequency attached by ClinVar (database versions not stated): TOPMed below 0.00001.
gnomAD v4.1: 3 of 1,614,034 alleles (0.00019%); highest among the groups gnomAD compares: Middle Eastern, 0.016%; no homozygotes.

Submissions (2):

Fulgent Genetics
Classification: Uncertain significance for Van Maldergem syndrome 2; Hennekam lymphangiectasia-lymphedema syndrome 2. Last evaluated: 2024-03-07. Review status: criteria provided, single submitter. Criteria: ACMG Guidelines, 2015. Collection method: clinical testing. Allele origin: germline.

Labcorp Genetics (formerly Invitae), Labcorp
Classification: Uncertain significance. Last evaluated: 2020-12-04. Review status: criteria provided, single submitter. Criteria: Invitae Variant Classification Sherloc (09022015). Collection method: clinical testing. Allele origin: germline.
Comment: In summary, the available evidence is currently insufficient to determine the role of this variant in disease. Therefore, it has been classified as a Variant of Uncertain Significance. Advanced modeling of protein sequence and biophysical properties (such as structural, functional, and spatial information, amino acid conservation, physicochemical variation, residue mobility, and thermodynamic stability) performed at Invitae indicates that this missense variant is not expected to disrupt FAT4 protein function. This variant has not been reported in the literature in individuals with FAT4-related conditions. This variant is not present in population databases (ExAC no frequency). This sequence change replaces isoleucine with methionine at codon 4416 of the FAT4 protein (p.Ile4416Met). The isoleucine residue is highly conserved and there is a small physicochemical difference between isoleucine and methionine.

NM_001291303.3(FAT4):c.13254T>G (p.Ile4418Met)

Gene: FAT4 (FAT atypical cadherin 4; plus strand). Cytogenetic location: 4q28.1.
Variant type: single nucleotide variant.
Coding change: c.13254T>G on transcript NM_001291303.3 (MANE Select); coding-DNA position 13254, T replaced by G.
Protein change: p.Ile4418Met; replaces isoleucine 4418 with methionine.
Molecular consequence: missense variant.
Genome position (GRCh38, 1-based): chr4:125,490,070, T>G. VCF-style: chr4-125490070-T-G. GRCh37 (hg19) VCF-style: chr4-126411225-T-G.
Other names: c.13251T>G, p.Ile4417Met (NM_001291285.3); c.13248T>G, p.Ile4416Met (NM_024582.6); c.13248T>G (NM_024582.5); short protein forms I4417M, I4416M, I4418M.
Identifiers: ClinVar variation 1420601 (VCV001420601.7), dbSNP rs1727561886, ClinGen allele CA358135996.